The following is an entry in ClinVar:

NM_004655.4(AXIN2):c.726del (p.Lys242fs)

Gene: AXIN2 (axin 2; minus strand). Cytogenetic location: 17q24.1.
Variant type: Deletion.
Coding change: c.726del on transcript NM_004655.4 (MANE Select); coding-DNA position 726, one base deleted (A; older notation c.726delA).
Protein change: p.Lys242fs; shifts the reading frame from lysine 242.
Molecular consequence: frameshift variant.
Genome position (GRCh38, 1-based): chr17:65,557,895, T deleted on the plus strand (A on the coding strand, the reverse complement: AXIN2 is on the minus strand); the first of 3 consecutive T bases (chr17:65,557,895-65,557,897); deleting any one gives the same sequence. VCF-style (leftmost placement, unchanged base first): chr17-65557894-GT-G. GRCh37 (hg19) VCF-style: chr17-63554012-GT-G.
Other names: c.726del, p.Lys242fs (NM_001363813.1); short protein forms K242fs.
Identifiers: ClinVar variation 2694694 (VCV002694694.3), dbSNP rs2544247794, ClinGen allele CA2697555075.

ClinVar aggregate classification (germline): Pathogenic (1 of 4 stars; one submission).

Conditions:
Oligodontia-cancer predisposition syndrome. Also called: TOOTH AGENESIS-COLORECTAL CANCER SYNDROME. Identifiers: Orphanet 300576, MedGen C1837750, MONDO:0012075, OMIM 608615. Disease mechanism: loss of function.

Submission:

Labcorp Genetics (formerly Invitae), Labcorp
Classification: Pathogenic for Oligodontia-cancer predisposition syndrome. Last evaluated: 2023-11-10. Review status: criteria provided, single submitter. Criteria: Invitae Variant Classification Sherloc (09022015). Collection method: clinical testing. Allele origin: germline.
Comment: This sequence change creates a premature translational stop signal (p.Lys242Asnfs*14) in the AXIN2 gene. It is expected to result in an absent or disrupted protein product. Loss-of-function variants in AXIN2 are known to be pathogenic (PMID: 15042511, 21416598). This variant is not present in population databases (gnomAD no frequency). This variant has not been reported in the literature in individuals affected with AXIN2-related conditions. For these reasons, this variant has been classified as Pathogenic.

Literature cited by the submitters: PubMed 15042511; PubMed 21416598.